The following is an entry in ClinVar:

ClinVar aggregate classification (germline): Likely benign (1 of 4 stars; one submission).

Allele frequency attached by ClinVar (database versions not stated): TOPMed 0.00009; gnomAD 0.00011.

Submission:

CeGaT Center for Human Genetics Tuebingen
Classification: Likely benign. Last evaluated: 2023-02-01. Review status: criteria provided, single submitter. Criteria: CeGaT Center For Human Genetics Tuebingen Variant Classification Criteria Version 2. Collection method: clinical testing. Allele origin: germline. Affected: yes. Observed: 1 variant allele.
Comment: PJA1: BS2

NC_000023.11:g.69080923C>T

Gene: PJA1 (praja ring finger ubiquitin ligase 1; minus strand). Cytogenetic location: Xq13.1.
Variant type: single nucleotide variant.
Genome position: GRCh38 VCF-style: chrX-69080923-C-T. GRCh37 (hg19) VCF-style: chrX-68300766-C-T.
Identifiers: ClinVar variation 2660795 (VCV002660795.24), dbSNP rs1312714492, ClinGen allele CA642418922.
Genomic context (GRCh38, chrX:69,080,923, plus strand): 5'-AAAGTCTGGAATTCTGTCTGGAGGCTGGGCCGAGCTGGCATAACTTCAGAAGGCTGTAGA[C>T]GGCCATAAAAGTGGTGGGATCCCTGGGGATGGAGAATCCTGCAGGGAAGCCCCCTCCCCC-3'